The following is an entry in ClinVar:

NM_001267550.2(TTN):c.44461_44464del (p.Leu14820_Thr14821insTer)

Gene: TTN (titin; minus strand). Cytogenetic location: 2q31.2.
Variant type: Deletion.
Coding change: c.44461_44464del on transcript NM_001267550.2 (MANE Select); coding-DNA positions 44461 to 44464, 4 bases deleted (ACTC; older notation c.44461_44464delACTC).
Protein change: p.Leu14820_Thr14821insTer.
Molecular consequence: nonsense.
Genome position (GRCh38, 1-based): chr2:178,625,357-178,625,360, GAGT deleted on the plus strand (ACTC on the coding strand, the reverse complement: TTN is on the minus strand). VCF-style (leftmost placement, unchanged base first): chr2-178625356-AGAGT-A. GRCh37 (hg19) VCF-style: chr2-179490083-AGAGT-A.
Other names: c.39538_39541del, p.Leu13179_Thr13180insTer (NM_001256850.1); c.17266_17269del, p.Leu5755_Thr5756insTer (NM_003319.4); c.36757_36760del, p.Leu12252_Thr12253insTer (NM_133378.4); c.17641_17644del, p.Leu5880_Thr5881insTer (NM_133432.3); c.17842_17845del, p.Leu5947_Thr5948insTer (NM_133437.4).
Identifiers: ClinVar variation 3754980 (VCV003754980.2).

ClinVar aggregate classification (germline): Likely pathogenic (1 of 4 stars; one submission).

Conditions:
Autosomal recessive limb-girdle muscular dystrophy type 2J (LGMDR10). Also called: Limb-girdle muscular dystrophy, type 2J; MUSCULAR DYSTROPHY, LIMB-GIRDLE, AUTOSOMAL RECESSIVE 10. Identifiers: Orphanet 140922, MedGen C1837342, MONDO:0012127, OMIM 608807.
Dilated cardiomyopathy 1G (CMD1G). Identifiers: Orphanet 154, MedGen C1858763, MONDO:0011400, OMIM 604145.

Submission:

Labcorp Genetics (formerly Invitae), Labcorp
Classification: Likely pathogenic for Dilated cardiomyopathy 1G; Autosomal recessive limb-girdle muscular dystrophy type 2J. Last evaluated: 2025-12-09. Review status: criteria provided, single submitter. Criteria: Invitae Variant Classification Sherloc (09022015). Collection method: clinical testing. Allele origin: germline.
Comment: This sequence change creates a premature translational stop signal (p.Thr14821*) in the TTN gene. While this is not anticipated to result in nonsense mediated decay, it is expected to create a truncated TTN protein. This variant is not present in population databases (gnomAD no frequency). This variant has not been reported in the literature in individuals affected with TTN-related conditions. ClinVar contains an entry for this variant (Variation ID: 3754980). This variant is located in the I band of TTN (PMID: 25589632). Truncating variants in this region have been reported in individuals affected with autosomal recessive centronuclear myopathy (PMID: 23975875, internal data). Truncating variants in this region have also been identified in individuals affected with autosomal dominant dilated cardiomyopathy and/or cardio-related conditions (PMID: 27869827, 32964742, internal data). In summary, the currently available evidence indicates that the variant is pathogenic, but additional data are needed to prove that conclusively. Therefore, this variant has been classified as Likely Pathogenic.

Literature cited by the submitters: PubMed 25589632; PubMed 23975875; PubMed 27869827; PubMed 32964742.